The following is an entry in ClinVar:

ClinVar aggregate classification (germline): Pathogenic (1 of 4 stars; one submission).

Submission:

GeneDx
Classification: Pathogenic. Last evaluated: 2024-02-02. Review status: criteria provided, single submitter. Criteria: GeneDx Variant Classification Process June 2021. Collection method: clinical testing. Allele origin: germline. Affected: yes.
Comment: Canonical splice site variant predicted to result in a null allele in a gene for which loss of function is a known mechanism of disease; Not observed in large population cohorts (gnomAD); Has not been previously published as pathogenic or benign to our knowledge

NM_004999.4(MYO6):c.2867+1G>A

Gene: MYO6 (myosin VI; plus strand). Cytogenetic location: 6q14.1.
Variant type: single nucleotide variant.
Coding change: c.2867+1G>A on transcript NM_004999.4 (MANE Select); the canonical splice donor site of the intron after coding-DNA position 2867, G replaced by A.
Molecular consequence: splice donor variant.
Genome position (GRCh38, 1-based): chr6:75,890,266, G>A. VCF-style: chr6-75890266-G-A. GRCh37 (hg19) VCF-style: chr6-76599983-G-A.
Other names: c.2867+1G>A (NM_001368865.1, NM_001368866.1, NM_001368137.1 and 2 more transcripts); c.2852+1G>A (NM_001368138.1).
Identifiers: ClinVar variation 1684065 (VCV001684065.3), dbSNP rs2149368227, ClinGen allele CA364777300.
Genomic context (GRCh38, chr6:75,890,266, plus strand): 5'-AAGAAAAAGACGTGAAGAAGACGAAAAACGTCGAAGAAAGGAAGAGGAGGAAAGGCGGAT[G>A]TGAGGCATTTATATTATTTTGAATAAGAGACTTAAAGAAATAGTGAATTCTTGGTATTGA-3'